The following is an entry in ClinVar:

ClinVar aggregate classification (germline): Uncertain significance (1 of 4 stars; one submission).

gnomAD v4.1: 1 of 1,515,682 alleles (0.000066%); highest among the groups gnomAD compares: Non-Finnish European, 0.000089%; no homozygotes.

Submission:

Labcorp Genetics (formerly Invitae), Labcorp
Classification: Uncertain significance. Last evaluated: 2025-04-24. Review status: criteria provided, single submitter. Criteria: Invitae Variant Classification Sherloc (09022015). Collection method: clinical testing. Allele origin: germline.
Comment: This sequence change creates a premature translational stop signal (p.Gln152*) in the CCDC141 gene. It is expected to result in an absent or disrupted protein product. However, the current clinical and genetic evidence is not sufficient to establish whether loss-of-function variants in CCDC141 cause disease. This variant is not present in population databases (gnomAD no frequency). This variant has not been reported in the literature in individuals affected with CCDC141-related conditions. Algorithms developed to predict the effect of sequence changes on RNA splicing suggest that this variant may disrupt the consensus splice site. In summary, the available evidence is currently insufficient to determine the role of this variant in disease. Therefore, it has been classified as a Variant of Uncertain Significance.

NM_173648.4(CCDC141):c.454C>T (p.Gln152Ter)

Gene: CCDC141 (coiled-coil domain containing 141; minus strand). Cytogenetic location: 2q31.2.
Variant type: single nucleotide variant.
Coding change: c.454C>T on transcript NM_173648.4 (MANE Select); coding-DNA position 454, C replaced by T.
Protein change: p.Gln152Ter; replaces glutamine 152 with a stop codon.
Molecular consequence: nonsense.
Genome position (GRCh38, 1-based): chr2:178,975,129, G>A on the plus strand (C>T on the coding strand, the complement: CCDC141 is on the minus strand). VCF-style: chr2-178975129-G-A. GRCh37 (hg19) VCF-style: chr2-179839856-G-A.
Other names: c.454C>T, p.Gln152Ter (NM_001316745.2); short protein forms Q152*.
Identifiers: ClinVar variation 4766574 (VCV004766574.1).
Genomic context (GRCh38, chr2:178,975,129, plus strand): 5'-GTTCATGAAGCTGAAGAAGTGATTTTAAGGACTCAGCACTCTCAAACTCATGAGTATTCT[G>A]GAGGAAATCTTCAGCTTGGTCTATTTTAATAGCAAACTACAATAGAAATACAGAGGAAAG-3'